The following is an entry in ClinVar:

ClinVar aggregate classification (germline): Uncertain significance. Review status: criteria provided, multiple submitters, no conflicts (2 of 4 stars). 2 submissions from 2 submitters: Uncertain significance (2). Last evaluated 2025-07-01.

Conditions:
Cardiovascular phenotype. Identifiers: MedGen CN230736.

Allele frequency attached by ClinVar (database versions not stated): gnomAD exomes below 0.00001.
gnomAD v4.1: 1 of 1,614,066 alleles (0.000062%); highest among the groups gnomAD compares: East Asian, 0.0022%; no homozygotes.

Submissions (2):

Women's Health and Genetics/Laboratory Corporation of America, LabCorp
Classification: Uncertain significance. Last evaluated: 2025-07-01. Review status: criteria provided, single submitter. Criteria: LabCorp Variant Classification Summary - May 2015. Collection method: clinical testing. Allele origin: germline.
Comment: Variant summary: LPL c.756T>G (p.Ile252Met) results in a conservative amino acid change in the encoded protein sequence. Algorithms developed to predict the effect of missense changes on protein structure and function are either unavailable or do not agree on the potential impact of this missense change. The variant allele was found at a frequency of 4e-06 in 251358 control chromosomes. The available data on variant occurrences in the general population are insufficient to allow any conclusion about variant significance. c.756T>G has been observed in the heterozygous state in at least 1 individual(s) affected with clinical features of Familial Lipoprotein Lipase Deficiency (example, Yang_2021), without strong evidence for causality. These report(s) do not provide unequivocal conclusions about association of the variant with Familial Lipoprotein Lipase Deficiency. At least one publication reports experimental evidence evaluating an impact on protein function. The most pronounced variant effect results in >50%-90% of normal activity in both patient sample(s) and in vitro (example, Yang_2021). The following publications have been ascertained in the context of this evaluation (PMID: 39858602, 36613909, 35309119, 34040631, 36325899). ClinVar contains an entry for this variant (Variation ID: 3119788). Based on the evidence outlined above, the variant was classified as uncertain significance.

Ambry Genetics
Classification: Uncertain significance for Cardiovascular phenotype. Last evaluated: 2024-02-14. Review status: criteria provided, single submitter. Criteria: Ambry Variant Classification Scheme 2023. Collection method: clinical testing. Allele origin: germline.

Literature cited by the submitters: PubMed 35309119 (cited by Women's Health and Genetics/Laboratory Corporation of America, LabCorp); PubMed 36325899 (cited by Women's Health and Genetics/Laboratory Corporation of America, LabCorp); PubMed 39858602 (cited by Women's Health and Genetics/Laboratory Corporation of America, LabCorp); PubMed 36613909 (cited by Women's Health and Genetics/Laboratory Corporation of America, LabCorp); PubMed 34040631 (cited by Women's Health and Genetics/Laboratory Corporation of America, LabCorp and Ambry Genetics).

NM_000237.3(LPL):c.756T>G (p.Ile252Met)

Gene: LPL (lipoprotein lipase; plus strand). Cytogenetic location: 8p21.3.
Variant type: single nucleotide variant.
Coding change: c.756T>G on transcript NM_000237.3 (MANE Select); coding-DNA position 756, T replaced by G.
Protein change: p.Ile252Met; replaces isoleucine 252 with methionine.
Molecular consequence: missense variant.
Genome position (GRCh38, 1-based): chr8:19,954,334, T>G. VCF-style: chr8-19954334-T-G. GRCh37 (hg19) VCF-style: chr8-19811845-T-G.
Other names: short protein forms I252M.
Identifiers: ClinVar variation 3119788 (VCV003119788.3), dbSNP rs1563575280, ClinGen allele CA370468741.